The following is an entry in ClinVar:

ClinVar aggregate classification (germline): Uncertain significance (1 of 4 stars; one submission).

Allele frequency attached by ClinVar (database versions not stated): gnomAD 0.00001; TOPMed 0.00001.
gnomAD v4.1: 9 of 1,612,000 alleles (0.00056%); highest among the groups gnomAD compares: African/African-American, 0.0013%; no homozygotes.

Submission:

GeneDx
Classification: Uncertain significance. Last evaluated: 2022-10-28. Review status: criteria provided, single submitter. Criteria: GeneDx Variant Classification Process June 2021. Collection method: clinical testing. Allele origin: germline. Affected: yes.
Comment: Not observed at significant frequency in large population cohorts (gnomAD); In silico analysis supports that this missense variant has a deleterious effect on protein structure/function; Missense variant in a gene in which most reported pathogenic variants are truncating/loss of function; Has not been previously published as pathogenic or benign to our knowledge

NM_018136.5(ASPM):c.9194C>A (p.Ala3065Asp)

Gene: ASPM (assembly factor for spindle microtubules; minus strand). Cytogenetic location: 1q31.3.
Variant type: single nucleotide variant.
Coding change: c.9194C>A on transcript NM_018136.5 (MANE Select); coding-DNA position 9194, C replaced by A.
Protein change: p.Ala3065Asp; replaces alanine 3065 with aspartic acid.
Molecular consequence: missense variant.
Genome position (GRCh38, 1-based): chr1:197,093,152, G>T on the plus strand (C>A on the coding strand, the complement: ASPM is on the minus strand). VCF-style: chr1-197093152-G-T. GRCh37 (hg19) VCF-style: chr1-197062282-G-T.
Other names: c.4439C>A, p.Ala1480Asp (NM_001206846.2); short protein forms A1480D, A3065D.
Identifiers: ClinVar variation 2500608 (VCV002500608.1), dbSNP rs747960081, ClinGen allele CA344007131.